The following is an entry in ClinVar:

ClinVar aggregate classification (germline): Uncertain significance (1 of 4 stars; one submission).

Conditions:
Nemaline myopathy 2 (NEM2). Also called: Nemaline myopathy 2, autosomal recessive. Identifiers: MedGen C1850569, MONDO:0009725, OMIM 256030.

Allele frequency attached by ClinVar (database versions not stated): gnomAD exomes below 0.00001.
gnomAD v4.1: 2 of 1,612,670 alleles (0.00012%); no homozygotes.

Submission:

Labcorp Genetics (formerly Invitae), Labcorp
Classification: Uncertain significance for Nemaline myopathy 2. Last evaluated: 2022-06-04. Review status: criteria provided, single submitter. Criteria: Invitae Variant Classification Sherloc (09022015). Collection method: clinical testing. Allele origin: germline.
Comment: This sequence change replaces isoleucine, which is neutral and non-polar, with valine, which is neutral and non-polar, at codon 7960 of the NEB protein (p.Ile7960Val). This variant is present in population databases (no rsID available, gnomAD 0.004%). This variant has not been reported in the literature in individuals affected with NEB-related conditions. ClinVar contains an entry for this variant (Variation ID: 841708). Algorithms developed to predict the effect of missense changes on protein structure and function are either unavailable or do not agree on the potential impact of this missense change (SIFT: "Deleterious"; PolyPhen-2: "Not Available"; Align-GVGD: "Class C0"). In summary, the available evidence is currently insufficient to determine the role of this variant in disease. Therefore, it has been classified as a Variant of Uncertain Significance.

NM_001164508.2(NEB):c.23773A>G (p.Ile7925Val)

Genes: RIF1 (replication timing regulatory factor 1; plus strand), NEB (nebulin; minus strand). Cytogenetic location: 2q23.3.
Variant type: single nucleotide variant.
Coding change: c.23773A>G on transcript NM_001164508.2 (MANE Select); coding-DNA position 23773, A replaced by G.
Protein change: p.Ile7925Val; replaces isoleucine 7925 with valine.
Molecular consequence: missense variant.
Genome position (GRCh38, 1-based): chr2:151,503,411, T>C on the plus strand (A>G on the coding strand, the complement: NEB is on the minus strand). VCF-style: chr2-151503411-T-C. GRCh37 (hg19) VCF-style: chr2-152359925-T-C.
Other names: c.23773A>G, p.Ile7925Val (NM_001164507.2); c.23878A>G, p.Ile7960Val (NM_001271208.2); c.18670A>G, p.Ile6224Val (NM_004543.5); short protein forms I7960V, I6224V, I7925V.
Identifiers: ClinVar variation 841708 (VCV000841708.9), dbSNP rs1322894219, ClinGen allele CA348782311.